The following is an entry in ClinVar:

ClinVar aggregate classification (germline): Uncertain significance (1 of 4 stars; one submission).

gnomAD v4.1: 1 of 1,583,832 alleles (0.000063%); no homozygotes.

Submission:

Labcorp Genetics (formerly Invitae), Labcorp
Classification: Uncertain significance. Last evaluated: 2022-04-11. Review status: criteria provided, single submitter. Criteria: Invitae Variant Classification Sherloc (09022015). Collection method: clinical testing. Allele origin: germline.
Comment: This variant has not been reported in the literature in individuals affected with PTPN23-related conditions. In summary, the available evidence is currently insufficient to determine the role of this variant in disease. Therefore, it has been classified as a Variant of Uncertain Significance. Algorithms developed to predict the effect of missense changes on protein structure and function are either unavailable or do not agree on the potential impact of this missense change (SIFT: "Tolerated"; PolyPhen-2: "Not Available"; Align-GVGD: "Class C0"). This variant is not present in population databases (gnomAD no frequency). This sequence change replaces valine, which is neutral and non-polar, with leucine, which is neutral and non-polar, at codon 26 of the PTPN23 protein (p.Val26Leu).

NM_015466.4(PTPN23):c.76G>C (p.Val26Leu)

Genes: PTPN23 (protein tyrosine phosphatase non-receptor type 23; plus strand), PTPN23-DT (PTPN23 divergent transcript; minus strand). Cytogenetic location: 3p21.31.
Variant type: single nucleotide variant.
Coding change: c.76G>C on transcript NM_015466.4 (MANE Select); coding-DNA position 76, G replaced by C.
Protein change: p.Val26Leu; replaces valine 26 with leucine.
Molecular consequence: missense variant. On other transcripts: 5 prime UTR variant (1).
Genome position (GRCh38, 1-based): chr3:47,381,172, G>C. VCF-style: chr3-47381172-G-C. GRCh37 (hg19) VCF-style: chr3-47422662-G-C.
Other names: c.-175G>C (NM_001304482.2); short protein forms V26L.
Identifiers: ClinVar variation 2124695 (VCV002124695.4), dbSNP rs1295739593, ClinGen allele CA352532755.